The following is an entry in ClinVar:

ClinVar aggregate classification (germline): Uncertain significance (1 of 4 stars; one submission).

Conditions:
Severe early-onset pulmonary alveolar proteinosis due to MARS deficiency. Also called: PULMONARY ALVEOLAR PROTEINOSIS, REUNION ISLAND; Interstitial lung and liver disease. Identifiers: Orphanet 440427, MedGen C4225400, MONDO:0014206, OMIM 615486.
Charcot-Marie-Tooth disease axonal type 2U. Also called: CHARCOT-MARIE-TOOTH NEUROPATHY, TYPE 2U; CHARCOT-MARIE-TOOTH DISEASE, AXONAL, AUTOSOMAL DOMINANT, TYPE 2U. Identifiers: Orphanet 397735, MedGen C4084821, MONDO:0014566, OMIM 616280.

Allele frequency attached by ClinVar (database versions not stated): ExAC 0.00001; ESP Exome Variant Server 0.00008; gnomAD exomes 0.00001.
gnomAD v4.1: 9 of 1,613,892 alleles (0.00056%); highest among the groups gnomAD compares: Non-Finnish European, 0.00076%; no homozygotes.

Submission:

Labcorp Genetics (formerly Invitae), Labcorp
Classification: Uncertain significance for Charcot-Marie-Tooth disease axonal type 2U; Severe early-onset pulmonary alveolar proteinosis due to MARS deficiency. Last evaluated: 2023-09-25. Review status: criteria provided, single submitter. Criteria: Invitae Variant Classification Sherloc (09022015). Collection method: clinical testing. Allele origin: germline.
Comment: ClinVar contains an entry for this variant (Variation ID: 1944205). An algorithm developed to predict the effect of missense changes on protein structure and function (PolyPhen-2) suggests that this variant is likely to be tolerated. In summary, the available evidence is currently insufficient to determine the role of this variant in disease. Therefore, it has been classified as a Variant of Uncertain Significance. This variant has not been reported in the literature in individuals affected with MARS-related conditions. This sequence change replaces leucine, which is neutral and non-polar, with proline, which is neutral and non-polar, at codon 29 of the MARS protein (p.Leu29Pro). This variant is present in population databases (rs369180672, gnomAD 0.0009%).

NM_004990.4(MARS1):c.86T>C (p.Leu29Pro)

Genes: ARHGAP9 (Rho GTPase activating protein 9; minus strand), MARS1 (methionyl-tRNA synthetase 1; plus strand). Cytogenetic location: 12q13.3.
Variant type: single nucleotide variant.
Coding change: c.86T>C on transcript NM_004990.4 (MANE Select); coding-DNA position 86, T replaced by C.
Protein change: p.Leu29Pro; replaces leucine 29 with proline.
Molecular consequence: missense variant. On other transcripts: intron variant (1).
Genome position (GRCh38, 1-based): chr12:57,488,176, T>C. VCF-style: chr12-57488176-T-C. GRCh37 (hg19) VCF-style: chr12-57881959-T-C.
Other names: c.-204+436A>G (NM_001319850.2); short protein forms L29P.
Identifiers: ClinVar variation 1944205 (VCV001944205.5), dbSNP rs369180672, ClinGen allele CA6650015.